The following is an entry in ClinVar:

ClinVar aggregate classification (germline): Conflicting classifications of pathogenicity. Review status: criteria provided, conflicting classifications (1 of 4 stars). 5 submissions from 5 submitters: Uncertain significance (3); Likely benign (2). Last evaluated 2025-12-16.

Conditions:
ATL3-related disorder. Also called: ATL3-related condition.
Neuropathy, hereditary sensory, type 1F. Also called: Hereditary sensory neuropathy type IF; HSN IF. Identifiers: Orphanet 36386, MedGen C3810194, MONDO:0014286, OMIM 615632.

Allele frequency attached by ClinVar (database versions not stated): gnomAD 0.00002; gnomAD exomes 0.00002 and 0.00004; ExAC 0.00003; TOPMed 0.00003; ESP Exome Variant Server 0.00009.
gnomAD v4.1: 40 of 1,603,904 alleles (0.0025%); highest among the groups gnomAD compares: Middle Eastern, 0.18%; no homozygotes.

Submissions (5):

PreventionGenetics, part of Exact Sciences
Classification: Uncertain significance for ATL3-related condition. Last evaluated: 2025-12-16. Review status: criteria provided, single submitter. Criteria: ACMG Guidelines, 2015. Collection method: clinical testing. Allele origin: germline.
Comment: The ATL3 c.280A>G variant is predicted to result in the amino acid substitution p.Asn94Asp. To our knowledge, this variant has not been reported in the literature. This variant is reported in 0.0092% of alleles in individuals of Latino descent in gnomAD. At this time, the clinical significance of this variant is uncertain due to the absence of conclusive functional and genetic evidence.

Mayo Clinic Laboratories, Mayo Clinic
Classification: Likely benign. Last evaluated: 2025-10-15. Review status: criteria provided, single submitter. Criteria: ACMG Guidelines, 2015. Collection method: clinical testing. Allele origin: germline. Observed: 1 variant allele.
Comment: BS2, BP4

Labcorp Genetics (formerly Invitae), Labcorp
Classification: Uncertain significance for Neuropathy, hereditary sensory, type 1F. Last evaluated: 2025-09-11. Review status: criteria provided, single submitter. Criteria: Invitae Variant Classification Sherloc (09022015). Collection method: clinical testing. Allele origin: germline.
Comment: This sequence change replaces asparagine, which is neutral and polar, with aspartic acid, which is acidic and polar, at codon 94 of the ATL3 protein (p.Asn94Asp). This variant is present in population databases (rs200016062, gnomAD 0.006%). This variant has not been reported in the literature in individuals affected with ATL3-related conditions. ClinVar contains an entry for this variant (Variation ID: 1440813). An algorithm developed to predict the effect of missense changes on protein structure and function (PolyPhen-2) suggests that this variant is likely to be tolerated. In summary, the available evidence is currently insufficient to determine the role of this variant in disease. Therefore, it has been classified as a Variant of Uncertain Significance.

CeGaT Center for Human Genetics Tuebingen
Classification: Likely benign. Last evaluated: 2023-01-01. Review status: criteria provided, single submitter. Criteria: CeGaT Center For Human Genetics Tuebingen Variant Classification Criteria Version 2. Collection method: clinical testing. Allele origin: germline. Affected: yes. Observed: 1 variant allele.
Comment: ATL3: BP4, BS1

Breakthrough Genomics
Classification: Uncertain significance. Review status: criteria provided, single submitter. Criteria: ACMG Guidelines, 2015. Collection method: not provided. Allele origin: germline. Inheritance: Autosomal dominant inheritance. Affected: yes.

NM_015459.5(ATL3):c.280A>G (p.Asn94Asp)

Genes: ATL3 (atlastin GTPase 3; minus strand), LNCROPM (lncRNA regulator of PLAAT3 mediated phospholipid metabolism; plus strand). Cytogenetic location: 11q13.1.
Variant type: single nucleotide variant.
Coding change: c.280A>G on transcript NM_015459.5 (MANE Select); coding-DNA position 280, A replaced by G.
Protein change: p.Asn94Asp; replaces asparagine 94 with aspartic acid.
Molecular consequence: missense variant.
Genome position (GRCh38, 1-based): chr11:63,658,886, T>C on the plus strand (A>G on the coding strand, the complement: ATL3 is on the minus strand). VCF-style: chr11-63658886-T-C. GRCh37 (hg19) VCF-style: chr11-63426358-T-C.
Other names: p.Asn94Asp; c.226A>G, p.Asn76Asp (NM_001290048.2); c.280A>G (NM_015459.4); short protein forms N94D, N76D.
Identifiers: ClinVar variation 1440813 (VCV001440813.34), dbSNP rs200016062, ClinGen allele CA6063833.